The following is an entry in ClinVar:

ClinVar aggregate classification (germline): Pathogenic (1 of 4 stars; one submission).

Conditions:
Autosomal dominant Alport syndrome (ATS3A). Also called: Alport syndrome dominant type; Renal failure and sensorineural hearing loss; ALPORT SYNDROME 3A, AUTOSOMAL DOMINANT. Identifiers: Orphanet 63, Orphanet 88918, MedGen C5882663, MONDO:0007086, OMIM 104200.
Hematuria, benign familial, 2 (BFH2). Identifiers: MedGen C5830421, MONDO:0958186, OMIM 620320.
Alport syndrome 3b, autosomal recessive. Identifiers: MedGen C5882699, MONDO:0957811, OMIM 620536.

Submission:

Juno Genomics, Hangzhou Juno Genomics, Inc
Classification: Pathogenic for Autosomal dominant Alport syndrome; Alport syndrome 3b, autosomal recessive; Hematuria, benign familial, 2. Review status: criteria provided, single submitter. Criteria: ACMG Guidelines, 2015. Collection method: clinical testing. Allele origin: germline. Affected: yes.
Comment: Absent from controls (or at extremely low frequency if recessive) in Genome Aggregation Database.;Null variant in a gene where loss of function (LOF) is a known mechanism of disease.;For recessive disorders, detected in trans with a pathogenic variant.

NM_000091.5(COL4A3):c.743dup (p.Thr249fs)

Genes: MFF-DT (MFF divergent transcript; minus strand), COL4A3 (collagen type IV alpha 3 chain; plus strand). Cytogenetic location: 2q36.3.
Variant type: Duplication.
Coding change: c.743dup on transcript NM_000091.5 (MANE Select); coding-DNA position 743, one base duplicated (T; older notation c.743dupT).
Protein change: p.Thr249fs; shifts the reading frame from threonine 249.
Molecular consequence: frameshift variant.
Genome position (GRCh38, 1-based): chr2:227,253,616, T duplicated. VCF-style (leftmost placement, unchanged base first): chr2-227253615-C-CT. GRCh37 (hg19) VCF-style: chr2-228118331-C-CT.
Other names: short protein forms T249fs.
Identifiers: ClinVar variation 5018645 (VCV005018645.1).
Genomic context (GRCh38, chr2:227,253,615, plus strand): 5'-CTTTAGGGTGTGAAAGGGTTAACAGGACCCCCGGGACCACCAGGAACAGTTATTGTGACC[C>CT]TAACTGGCCCAGATAACAGAACGGTAACTCTGCGATTTTATGATTAGTGTTGTGCCTTCC-3'